The following is an entry in ClinVar:

ClinVar aggregate classification (germline): Uncertain significance. Review status: criteria provided, multiple submitters, no conflicts (2 of 4 stars). 2 submissions from 2 submitters: Uncertain significance (2). Last evaluated 2025-12-19.

Conditions:
Inborn genetic diseases. Identifiers: MedGen C0950123, MeSH D030342.

gnomAD v4.1: 26 of 1,614,136 alleles (0.0016%); highest among the groups gnomAD compares: East Asian, 0.0045%; no homozygotes.

Submissions (2):

Labcorp Genetics (formerly Invitae), Labcorp
Classification: Uncertain significance. Last evaluated: 2025-12-19. Review status: criteria provided, single submitter. Criteria: Invitae Variant Classification Sherloc (09022015). Collection method: clinical testing. Allele origin: germline.
Comment: This sequence change replaces valine, which is neutral and non-polar, with leucine, which is neutral and non-polar, at codon 469 of the ABCC2 protein (p.Val469Leu). This variant is present in population databases (rs140048023, gnomAD 0.004%). This variant has not been reported in the literature in individuals affected with ABCC2-related conditions. ClinVar contains an entry for this variant (Variation ID: 4122101). Invitae Evidence Modeling of protein sequence and biophysical properties (such as structural, functional, and spatial information, amino acid conservation, physicochemical variation, residue mobility, and thermodynamic stability) indicates that this missense variant is not expected to disrupt ABCC2 protein function with a negative predictive value of 80%. In summary, the available evidence is currently insufficient to determine the role of this variant in disease. Therefore, it has been classified as a Variant of Uncertain Significance.

Ambry Genetics
Classification: Uncertain significance for Inborn genetic diseases. Last evaluated: 2025-06-29. Review status: criteria provided, single submitter. Criteria: Ambry Variant Classification Scheme 2023. Collection method: clinical testing. Allele origin: germline.

NM_000392.5(ABCC2):c.1405G>T (p.Val469Leu)

Gene: ABCC2 (ATP binding cassette subfamily C member 2; plus strand). Cytogenetic location: 10q24.2.
Variant type: single nucleotide variant.
Coding change: c.1405G>T on transcript NM_000392.5 (MANE Select); coding-DNA position 1405, G replaced by T.
Protein change: p.Val469Leu; replaces valine 469 with leucine.
Molecular consequence: missense variant.
Genome position (GRCh38, 1-based): chr10:99,804,214, G>T. VCF-style: chr10-99804214-G-T. GRCh37 (hg19) VCF-style: chr10-101563971-G-T.
Other names: short protein forms V469L.
Identifiers: ClinVar variation 4122101 (VCV004122101.2).